The following is an entry in ClinVar:

ClinVar aggregate classification (germline): Uncertain significance (1 of 4 stars; one submission).

Conditions:
Craniosynostosis syndrome. Also called: Craniosynostosis. Identifiers: Orphanet 1531, MedGen C0010278, MeSH D003398, MONDO:0015469, HP:0001363.
Intellectual disability. Also called: Intellectual developmental disorder; Intellectual functioning disability; intellectual disabilities. Identifiers: MedGen C3714756, MeSH D008607, MONDO:0001071, HP:0001249.
Seizure. Also called: Seizures. Identifiers: MedGen C0036572, HP:0001250.

Submission:

Laboratorio de Genetica e Diagnostico Molecular, Hospital Israelita Albert Einstein
Classification: Uncertain significance for Craniosynostosis syndrome; Seizure; Intellectual disability. Last evaluated: 2021-06-15. Review status: criteria provided, single submitter. Criteria: ACMG Guidelines, 2015. Collection method: clinical testing. Allele origin: germline. Affected: yes.
Comment: ACMG classification criteria: PM2 moderate, PP3 supporting

NM_000141.5(FGFR2):c.1700C>T (p.Ala567Val)

Gene: FGFR2 (fibroblast growth factor receptor 2; minus strand). Cytogenetic location: 10q26.13.
Variant type: single nucleotide variant.
Coding change: c.1700C>T on transcript NM_000141.5 (MANE Select); coding-DNA position 1700, C replaced by T.
Protein change: p.Ala567Val; replaces alanine 567 with valine.
Molecular consequence: missense variant. On other transcripts: non-coding transcript variant (1).
Genome position (GRCh38, 1-based): chr10:121,496,695, G>A on the plus strand (C>T on the coding strand, the complement: FGFR2 is on the minus strand). VCF-style: chr10-121496695-G-A. GRCh37 (hg19) VCF-style: chr10-123256209-G-A.
Other names: c.1703C>T, p.Ala568Val (NM_001144913.1, NM_022970.4); c.1364C>T, p.Ala455Val (NM_001144914.1); c.1433C>T, p.Ala478Val (NM_001144915.2, NM_023029.3); c.1355C>T, p.Ala452Val (NM_001144916.2); c.1352C>T, p.Ala451Val (NM_001144917.2); c.1349C>T, p.Ala450Val (NM_001144918.2); c.1436C>T, p.Ala479Val (NM_001144919.2); c.1016C>T, p.Ala339Val (NM_001320654.2); and 1 more; short protein forms A339V, A450V, A451V, A452V, A455V, A478V, A479V, A565V.
Identifiers: ClinVar variation 1683716 (VCV001683716.2), dbSNP rs2133943742, ClinGen allele CA378320618.
Genomic context (GRCh38, chr10:121,496,695, plus strand): 5'-GAGTACTCCATCCCGGGTGGCCTCCGGGCTCGGAGGTATTCTCGGAGGTTGCCTTTAGAG[G>A]CATACTCAACTATGACATAGAGAGGCCCTGTTGAGGAAGAAGAGAAGCTCCCTAAAGAGA-3'
Protein context (NP_000132.3, residues 557-577): DGPLYVIVEY[Ala567Val]SKGNLREYLR